The following is an entry in ClinVar:

NM_000153.4(GALC):c.514G>A (p.Ala172Thr)

Gene: GALC (galactosylceramidase; minus strand). Cytogenetic location: 14q31.3.
Variant type: single nucleotide variant.
Coding change: c.514G>A on transcript NM_000153.4 (MANE Select); coding-DNA position 514, G replaced by A.
Protein change: p.Ala172Thr; replaces alanine 172 with threonine.
Molecular consequence: missense variant.
Genome position (GRCh38, 1-based): chr14:87,984,462, C>T on the plus strand (G>A on the coding strand, the complement: GALC is on the minus strand). VCF-style: chr14-87984462-C-T. GRCh37 (hg19) VCF-style: chr14-88450806-C-T.
Other names: c.445G>A, p.Ala149Thr (NM_001201401.2); c.436G>A, p.Ala146Thr (NM_001201402.2); short protein forms A149T, A172T, A146T.
Identifiers: ClinVar variation 2006031 (VCV002006031.5), dbSNP rs1886885210, ClinGen allele CA390751663.
Genomic context (GRCh38, chr14:87,984,462, plus strand): 5'-AATCAATGTCCAAATCATGGTAACGCTTGGCGCCCACAATCCAGGTCACGACATAATAGG[C>T]AGTCAGCTGAAGATTGACATAAGGCCAGTCGAAACCTTTTCCCAGCCATCCAGGGAATGA-3'
Protein context (NP_000144.2, residues 162-182): DWPYVNLQLT[Ala172Thr]YYVVTWIVGA

ClinVar aggregate classification (germline): Uncertain significance. Review status: criteria provided, multiple submitters, no conflicts (2 of 4 stars). 2 submissions from 2 submitters: Uncertain significance (2). Last evaluated 2024-10-29.

Conditions:
Galactosylceramide beta-galactosidase deficiency. Also called: GALACTOCEREBROSIDASE DEFICIENCY; GALC DEFICIENCY; GLOBOID CELL LEUKOENCEPHALOPATHY; Krabbe Disease; Leukodystrophy, Globoid Cell. Identifiers: Orphanet 487, MedGen C0023521, MONDO:0009499, OMIM 245200.

Allele frequency attached by ClinVar (database versions not stated): TOPMed 0.00001.

Submissions (2):

Labcorp Genetics (formerly Invitae), Labcorp
Classification: Uncertain significance for Galactosylceramide beta-galactosidase deficiency. Last evaluated: 2024-10-29. Review status: criteria provided, single submitter. Criteria: Invitae Variant Classification Sherloc (09022015). Collection method: clinical testing. Allele origin: germline.
Comment: This sequence change replaces alanine, which is neutral and non-polar, with threonine, which is neutral and polar, at codon 172 of the GALC protein (p.Ala172Thr). This variant is not present in population databases (gnomAD no frequency). This variant has not been reported in the literature in individuals affected with GALC-related conditions. ClinVar contains an entry for this variant (Variation ID: 2006031). Invitae Evidence Modeling of protein sequence and biophysical properties (such as structural, functional, and spatial information, amino acid conservation, physicochemical variation, residue mobility, and thermodynamic stability) indicates that this missense variant is expected to disrupt GALC protein function with a positive predictive value of 95%. In summary, the available evidence is currently insufficient to determine the role of this variant in disease. Therefore, it has been classified as a Variant of Uncertain Significance.

Blueprint Genetics
Classification: Uncertain significance. Last evaluated: 2022-11-09. Review status: criteria provided, single submitter. Criteria: ACMG Guidelines, 2015. Collection method: clinical testing. Allele origin: germline.